The following is an entry in ClinVar:

NM_001042492.3(NF1):c.439T>C (p.Cys147Arg)

Gene: NF1 (neurofibromin 1; plus strand). Cytogenetic location: 17q11.2.
Variant type: single nucleotide variant.
Coding change: c.439T>C on transcript NM_001042492.3 (MANE Select); coding-DNA position 439, T replaced by C.
Protein change: p.Cys147Arg; replaces cysteine 147 with arginine.
Molecular consequence: missense variant.
Genome position (GRCh38, 1-based): chr17:31,163,336, T>C. VCF-style: chr17-31163336-T-C. GRCh37 (hg19) VCF-style: chr17-29490354-T-C.
Other names: c.439T>C, p.Cys147Arg (NM_000267.4, NM_001128147.3); short protein forms C147R.
Identifiers: ClinVar variation 481946 (VCV000481946.10), dbSNP rs1555606104, ClinGen allele CA398981951.

ClinVar aggregate classification (germline): Uncertain significance. Review status: criteria provided, multiple submitters, no conflicts (2 of 4 stars). 2 submissions from 2 submitters: Uncertain significance (2). Last evaluated 2022-06-26.

Conditions:
Cardiovascular phenotype. Identifiers: MedGen CN230736.
Hereditary cancer-predisposing syndrome. Also called: Hereditary neoplastic syndrome; Neoplastic Syndromes, Hereditary; Tumor predisposition; Hereditary Cancer Syndrome. Identifiers: Orphanet 140162, MedGen C0027672, MeSH D009386, MONDO:0015356.
Neurofibromatosis, type 1 (NF1). Also called: VON RECKLINGHAUSEN DISEASE; Peripheral type neurofibromatosis; NEUROFIBROMATOSIS, TYPE I, SOMATIC; Neurofibromatosis, type I. Identifiers: Orphanet 636, MedGen C0027831, MONDO:0018975, OMIM 162200. Disease mechanism: loss of function.

Submissions (2):

Labcorp Genetics (formerly Invitae), Labcorp
Classification: Uncertain significance for Neurofibromatosis, type 1. Last evaluated: 2022-06-26. Review status: criteria provided, single submitter. Criteria: Invitae Variant Classification Sherloc (09022015). Collection method: clinical testing. Allele origin: germline.
Comment: In summary, the available evidence is currently insufficient to determine the role of this variant in disease. Therefore, it has been classified as a Variant of Uncertain Significance. Advanced modeling of protein sequence and biophysical properties (such as structural, functional, and spatial information, amino acid conservation, physicochemical variation, residue mobility, and thermodynamic stability) performed at Invitae indicates that this missense variant is expected to disrupt NF1 protein function. ClinVar contains an entry for this variant (Variation ID: 481946). This variant has not been reported in the literature in individuals affected with NF1-related conditions. This variant is not present in population databases (gnomAD no frequency). This sequence change replaces cysteine, which is neutral and slightly polar, with arginine, which is basic and polar, at codon 147 of the NF1 protein (p.Cys147Arg).

Ambry Genetics
Classification: Uncertain significance for Cardiovascular phenotype; Hereditary cancer-predisposing syndrome. Last evaluated: 2016-08-19. Review status: criteria provided, single submitter. Criteria: Ambry Variant Classification Scheme 2023. Collection method: clinical testing. Allele origin: germline.
Comment: The p.C147R variant (also known as c.439T>C), located in coding exon 4 of the NF1 gene, results from a T to C substitution at nucleotide position 439. The cysteine at codon 147 is replaced by arginine, an amino acid with highly dissimilar properties. This variant was not reported in population based cohorts in the following databases: Database of Single Nucleotide Polymorphisms (dbSNP), NHLBI Exome Sequencing Project (ESP), and 1000 Genomes Project. In the ESP, this variant was not observed in 6503 samples (13006 alleles) with coverage at this position. To date, this alteration has been detected with an allele frequency of approximately 0.001% (greater than 175000 alleles tested) in our clinical cohort. This amino acid position is highly conserved in available vertebrate species. In addition, this alteration is predicted to be deleterious by in silico analysis. Since supporting evidence is limited at this time, the clinical significance of this alteration remains unclear.